The following is an entry in ClinVar:

NM_001291867.2(NHS):c.1038del (p.Thr347fs)

Gene: NHS (NHS actin remodeling regulator; plus strand). Cytogenetic location: Xp22.13.
Variant type: Deletion.
Coding change: c.1038del on transcript NM_001291867.2 (MANE Select); coding-DNA position 1038, one base deleted (G; older notation c.1038delG).
Protein change: p.Thr347fs; shifts the reading frame from threonine 347.
Molecular consequence: frameshift variant.
Genome position (GRCh38, 1-based): chrX:17,721,563, G deleted. VCF-style (leftmost placement, unchanged base first): chrX-17721562-CG-C. GRCh37 (hg19) VCF-style: chrX-17739682-CG-C.
Other names: c.507del, p.Thr170fs (NM_001136024.4); c.444del, p.Thr149fs (NM_001291868.2); c.975del, p.Thr326fs (NM_198270.4); short protein forms T326fs, T149fs, T170fs, T347fs.
Identifiers: ClinVar variation 524021 (VCV000524021.2), dbSNP rs1556037290, ClinGen allele CA658799586.

ClinVar aggregate classification (germline): Pathogenic (1 of 4 stars; one submission).

Submission:

GeneDx
Classification: Pathogenic. Last evaluated: 2018-03-21. Review status: criteria provided, single submitter. Criteria: GeneDx Variant Classification (06012015). Collection method: clinical testing. Allele origin: germline. Affected: yes.
Comment: The c.975delG pathogenic variant in the NHS gene causes a frameshift starting with codon Threonine 326, changes this amino acid t o an Arginine residue and creates a premature Stop codon at position 6 of the new reading frame, denoted p.Thr326ArgfsX6. This pathogenic variant is predicted to cause loss of normal protein function either through protein truncation or nonsense-mediated mRNAdecay. The variant is not observed in large population cohorts (Lek et al., 2016). This variant is interpreted to be pathogenic.